The following is an entry in ClinVar:

ClinVar aggregate classification (germline): Uncertain significance (1 of 4 stars; one submission).

Conditions:
Carnitine palmitoyltransferase II deficiency. Also called: Carnitine Palmitoyltransferase 2 Deficiency. Identifiers: Orphanet 157, MedGen C0342790, MONDO:0015515.

Allele frequency attached by ClinVar (database versions not stated): TOPMed below 0.00001.

Submission:

Labcorp Genetics (formerly Invitae), Labcorp
Classification: Uncertain significance for Carnitine palmitoyltransferase II deficiency. Last evaluated: 2021-10-18. Review status: criteria provided, single submitter. Criteria: Invitae Variant Classification Sherloc (09022015). Collection method: clinical testing. Allele origin: germline.
Comment: This sequence change replaces threonine with serine at codon 224 of the CPT2 protein (p.Thr224Ser). The threonine residue is moderately conserved and there is a small physicochemical difference between threonine and serine. This variant is not present in population databases (ExAC no frequency). This variant has not been reported in the literature in individuals affected with CPT2-related conditions. Advanced modeling of protein sequence and biophysical properties (such as structural, functional, and spatial information, amino acid conservation, physicochemical variation, residue mobility, and thermodynamic stability) performed at Invitae indicates that this missense variant is not expected to disrupt CPT2 protein function. Algorithms developed to predict the effect of sequence changes on RNA splicing suggest that this variant may create or strengthen a splice site. In summary, the available evidence is currently insufficient to determine the role of this variant in disease. Therefore, it has been classified as a Variant of Uncertain Significance.

NM_000098.3(CPT2):c.671C>G (p.Thr224Ser)

Gene: CPT2 (carnitine palmitoyltransferase 2; plus strand). Cytogenetic location: 1p32.3.
Variant type: single nucleotide variant.
Coding change: c.671C>G on transcript NM_000098.3 (MANE Select); coding-DNA position 671, C replaced by G.
Protein change: p.Thr224Ser; replaces threonine 224 with serine.
Molecular consequence: missense variant.
Genome position (GRCh38, 1-based): chr1:53,210,345, C>G. VCF-style: chr1-53210345-C-G. GRCh37 (hg19) VCF-style: chr1-53676017-C-G.
Other names: c.671C>G, p.Thr224Ser (NM_001330589.2); short protein forms T224S.
Identifiers: ClinVar variation 1443545 (VCV001443545.3), dbSNP rs1645414299, ClinGen allele CA340393204.